The following is an entry in ClinVar:

NM_004855.5(PIGB):c.535T>C (p.Leu179=)

Gene: PIGB (phosphatidylinositol glycan anchor biosynthesis class B; plus strand). Cytogenetic location: 15q21.3.
Variant type: single nucleotide variant.
Coding change: c.535T>C on transcript NM_004855.5 (MANE Select); coding-DNA position 535, T replaced by C.
Protein change: p.Leu179=; no amino-acid change (leucine 179 retained).
Molecular consequence: synonymous variant.
Genome position (GRCh38, 1-based): chr15:55,329,736, T>C. VCF-style: chr15-55329736-T-C. GRCh37 (hg19) VCF-style: chr15-55621934-T-C.
Identifiers: ClinVar variation 2141860 (VCV002141860.28), dbSNP rs371293512, ClinGen allele CA7573877.

ClinVar aggregate classification (germline): Likely benign. Review status: criteria provided, multiple submitters, no conflicts (2 of 4 stars). 2 submissions from 2 submitters: Likely benign (2). Last evaluated 2026-01-11.

Allele frequency attached by ClinVar (database versions not stated): gnomAD exomes 0.00001; ExAC 0.00007; gnomAD 0.00012; TOPMed 0.00012; ESP Exome Variant Server 0.00034.
gnomAD v4.1: 58 of 1,610,360 alleles (0.0036%); highest among the groups gnomAD compares: African/African-American, 0.041%; 1 homozygote.

Submissions (2):

Labcorp Genetics (formerly Invitae), Labcorp
Classification: Likely benign. Last evaluated: 2026-01-11. Review status: criteria provided, single submitter. Criteria: Invitae Variant Classification Sherloc (09022015). Collection method: clinical testing. Allele origin: germline.

CeGaT Center for Human Genetics Tuebingen
Classification: Likely benign. Last evaluated: 2022-08-01. Review status: criteria provided, single submitter. Criteria: CeGaT Center For Human Genetics Tuebingen Variant Classification Criteria Version 2. Collection method: clinical testing. Allele origin: germline. Affected: yes. Observed: 1 variant allele.
Comment: PIGB: BP4, BP7